The following is an entry in ClinVar:

ClinVar aggregate classification (germline): Pathogenic/Likely pathogenic. Review status: criteria provided, multiple submitters, no conflicts (2 of 4 stars). 3 submissions from 3 submitters: Pathogenic (2); Likely pathogenic (1). Last evaluated 2026-04-03.

Conditions:
Oculocutaneous albinism type 1. Also called: Albinism 1; ALBINISM I. Identifiers: Orphanet 352731, MedGen C0268494, MONDO:0018135. Disease mechanism: loss of function.
SKIN/HAIR/EYE PIGMENTATION 3, LIGHT/DARK SKIN (SHEP3). Also called: EYE COLOR 1; EYE COLOR, GREEN/BLUE; SKIN/HAIR/EYE PIGMENTATION, VARIATION IN, 3; SKIN/HAIR/EYE PIGMENTATION 3, BLUE/GREEN EYE COLOR; SKIN/HAIR/EYE PIGMENTATION 3, FRECKLING. Identifiers: MedGen C2677190, OMIM 601800.

Submissions (3):

Myriad Genetics, Inc.
Classification: Pathogenic for Oculocutaneous albinism type 1. Last evaluated: 2026-04-03. Review status: criteria provided, single submitter. Criteria: Myriad Autosomal Dominant, Autosomal Recessive and X-Linked Classification Criteria (2023). Collection method: clinical testing. Allele origin: unknown.
Comment: NM_000372.4(TYR):c.1199G>A(W400*) is a nonsense variant classified as pathogenic in the context of oculocutaneous albinism, TYR-related. W400* has not been observed in cases with relevant disease. Relevant functional assessments of this variant are not available in the literature. W400* has not been observed in referenced population frequency databases. In summary, NM_000372.4(TYR):c.1199G>A(W400*) is a nonsense variant in a gene where loss of function is a known mechanism of disease and is predicted to disrupt protein function. Please note: this variant was assessed in the context of healthy population screening.

Baylor Genetics
Classification: Likely pathogenic for SKIN/HAIR/EYE PIGMENTATION 3, LIGHT/DARK SKIN. Last evaluated: 2024-01-17. Review status: criteria provided, single submitter. Criteria: ACMG Guidelines, 2015. Collection method: clinical testing. Allele origin: unknown.

Labcorp Genetics (formerly Invitae), Labcorp
Classification: Pathogenic. Last evaluated: 2023-04-07. Review status: criteria provided, single submitter. Criteria: Invitae Variant Classification Sherloc (09022015). Collection method: clinical testing. Allele origin: germline.
Comment: For these reasons, this variant has been classified as Pathogenic. This premature translational stop signal has been observed in individual(s) with albinism (PMID: 32552135). This variant is present in population databases (no rsID available, gnomAD 0.01%). This sequence change creates a premature translational stop signal (p.Trp400*) in the TYR gene. It is expected to result in an absent or disrupted protein product. Loss-of-function variants in TYR are known to be pathogenic (PMID: 23504663).

Literature cited by the submitters: PubMed 32552135 (cited by Labcorp Genetics (formerly Invitae), Labcorp); PubMed 23504663 (cited by Labcorp Genetics (formerly Invitae), Labcorp).

NM_000372.5(TYR):c.1199G>A (p.Trp400Ter)

Gene: TYR (tyrosinase; plus strand). Cytogenetic location: 11q14.3.
Variant type: single nucleotide variant.
Coding change: c.1199G>A on transcript NM_000372.5 (MANE Select); coding-DNA position 1199, G replaced by A.
Protein change: p.Trp400Ter; replaces tryptophan 400 with a stop codon.
Molecular consequence: nonsense.
Genome position (GRCh38, 1-based): chr11:89,284,787, G>A. VCF-style: chr11-89284787-G-A. GRCh37 (hg19) VCF-style: chr11-89017955-G-A.
Other names: short protein forms W400*.
Identifiers: ClinVar variation 2794117 (VCV002794117.5), dbSNP rs62645916, ClinGen allele CA382077850.
Genomic context (GRCh38, chr11:89,284,787, plus strand): 5'-TTATACACAATATGTTTCTTAGTCTGAATAACCTTTTCCTCTGCAGTATTTTTGAGCAGT[G>A]GCTCCGAAGGCACCGTCCTCTTCAAGAAGTTTATCCAGAAGCCAATGCACCCATTGGACA-3'